The following is an entry in ClinVar:

NM_000321.3(RB1):c.719-8_719-3delinsGA

Gene: RB1 (RB transcriptional corepressor 1; plus strand). Cytogenetic location: 13q14.2.
Variant type: Indel.
Coding change: c.719-8_719-3delinsGA on transcript NM_000321.3 (MANE Select); 8 bases into the intron before coding-DNA position 719 through 3 bases into the intron before coding-DNA position 719, TTTTAC replaced by GA.
Molecular consequence: intron variant.
Genome position (GRCh38, 1-based): chr13:48,362,807-48,362,812, TTTTAC replaced by GA. VCF-style: chr13-48362807-TTTTAC-GA. GRCh37 (hg19) VCF-style: chr13-48936943-TTTTAC-GA.
Other names: c.719-8_719-3delinsGA (NM_001407165.1, NM_001407166.1).
Identifiers: ClinVar variation 5038399 (VCV005038399.1).
Genomic context (GRCh38, chr13:48,362,807, plus strand): 5'-GTTAGAATACTTCATTATTTTATATGATGGATGTACAATTGTTCTTATCTAATTTACCAC[TTTTAC>GA]AGAAACAGCTGTTATACCCATTAATGGTTCACCTCGAACACCCAGGCGAGGTCAGAACAG-3'

ClinVar aggregate classification (germline): Likely pathogenic (1 of 4 stars; one submission).

Conditions:
Retinoblastoma (RB1). Also called: RETINOBLASTOMA, SOMATIC. Identifiers: Orphanet 790, MedGen C0035335, MeSH D012175, MONDO:0008380, OMIM 180200, HP:0009919. Disease mechanism: loss of function. Inheritance: Both sporadic and heritable forms are tested..

Submission:

St. Jude Molecular Pathology, St. Jude Children's Research Hospital
Classification: Likely pathogenic for Retinoblastoma. Last evaluated: 2026-10-01. Review status: criteria provided, single submitter. Criteria: St. Jude Assertion Criteria 2020. Collection method: clinical testing. Allele origin: germline.
Comment: The RB1 c.719-8_719-3delinsGA intronic change results in a deletion of six nucleotides and insertion of two nucleotides in intron 7 of R B1 gene. Algorithms that predict the impact of sequence changes on splicing indicate that this change may impact splicing. RNA studies suggests that this variant results in skipping of exon 8 in a subset of transcripts (personal communication). This variant is also absent in gnomAD v2.1.1. In summary, this variant meets criteria to be classified as likely pathogenic .